The following is an entry in ClinVar:

ClinVar aggregate classification (germline): Uncertain significance (1 of 4 stars; one submission).

Submission:

Ambry Genetics
Classification: Uncertain significance. Last evaluated: 2022-03-23. Review status: criteria provided, single submitter. Criteria: Ambry Variant Classification Scheme 2023. Collection method: clinical testing. Allele origin: germline.
Comment: The p.D1204N variant (also known as c.3610G>A), located in coding exon 23 of the MYOM1 gene, results from a G to A substitution at nucleotide position 3610. The aspartic acid at codon 1204 is replaced by asparagine, an amino acid with highly similar properties. This amino acid position is conserved. In addition, the in silico prediction for this alteration is inconclusive. Since supporting evidence is limited at this time, the clinical significance of this alteration remains unclear.

NM_003803.4(MYOM1):c.3610G>A (p.Asp1204Asn)

Gene: MYOM1 (myomesin 1; minus strand). Cytogenetic location: 18p11.31.
Variant type: single nucleotide variant.
Coding change: c.3610G>A on transcript NM_003803.4 (MANE Select); coding-DNA position 3610, G replaced by A.
Protein change: p.Asp1204Asn; replaces aspartic acid 1204 with asparagine.
Molecular consequence: missense variant.
Genome position (GRCh38, 1-based): chr18:3,100,392, C>T on the plus strand (G>A on the coding strand, the complement: MYOM1 is on the minus strand). VCF-style: chr18-3100392-C-T. GRCh37 (hg19) VCF-style: chr18-3100390-C-T.
Other names: c.3322G>A, p.Asp1108Asn (NM_019856.2); short protein forms D1108N, D1204N.
Identifiers: ClinVar variation 1733230 (VCV001733230.2), dbSNP rs943467463, ClinGen allele CA401702412.